The following is an entry in ClinVar:

NM_001001957.2(OR2W3):c.118G>A (p.Val40Ile)

Gene: OR2W3 (olfactory receptor family 2 subfamily W member 3; plus strand). Cytogenetic location: 1q44.
Variant type: single nucleotide variant.
Coding change: c.118G>A on transcript NM_001001957.2 (MANE Select); coding-DNA position 118, G replaced by A.
Protein change: p.Val40Ile; replaces valine 40 with isoleucine.
Molecular consequence: missense variant.
Genome position (GRCh38, 1-based): chr1:247,895,704, G>A. VCF-style: chr1-247895704-G-A. GRCh37 (hg19) VCF-style: chr1-248059006-G-A.
Other names: short protein forms V40I.
Identifiers: ClinVar variation 2461892 (VCV002461892.5), dbSNP rs779943334, ClinGen allele CA1498516.
Genomic context (GRCh38, chr1:247,895,704, plus strand): 5'-CGACCCCATCTGGAGAGGATCCTCTTTGTGGTCATCCTGATCGCGTACCTCCTGACCCTC[G>A]TAGGCAACACCACCATCATCCTGGTGTCCCGGCTGGACCCCCACCTCCACACCCCCATGT-3'
Protein context (NP_001001957.2, residues 30-50): VILIAYLLTL[Val40Ile]GNTTIILVSR

ClinVar aggregate classification (germline): Uncertain significance. Review status: criteria provided, multiple submitters, no conflicts (2 of 4 stars). 2 submissions from 2 submitters: Uncertain significance (2). Last evaluated 2025-08-14.

Allele frequency attached by ClinVar (database versions not stated): TOPMed 0.00012; ExAC 0.00004; gnomAD 0.00012.
gnomAD v4.1: 65 of 1,613,682 alleles (0.004%); highest among the groups gnomAD compares: Admixed American, 0.045%; no homozygotes.

Submissions (2):

Labcorp Genetics (formerly Invitae), Labcorp
Classification: Uncertain significance. Last evaluated: 2025-08-14. Review status: criteria provided, single submitter. Criteria: Invitae Variant Classification Sherloc (09022015). Collection method: clinical testing. Allele origin: germline.
Comment: This sequence change replaces valine, which is neutral and non-polar, with isoleucine, which is neutral and non-polar, at codon 40 of the OR2W3 protein (p.Val40Ile). This variant is present in population databases (rs779943334, gnomAD 0.03%). This variant has not been reported in the literature in individuals affected with OR2W3-related conditions. ClinVar contains an entry for this variant (Variation ID: 2461892). An algorithm developed to predict the effect of missense changes on protein structure and function (PolyPhen-2) suggests that this variant is likely to be tolerated. In summary, the available evidence is currently insufficient to determine the role of this variant in disease. Therefore, it has been classified as a Variant of Uncertain Significance.

Ambry Genetics
Classification: Uncertain significance. Last evaluated: 2025-08-07. Review status: criteria provided, single submitter. Criteria: Ambry Variant Classification Scheme 2023. Collection method: clinical testing. Allele origin: germline.